The following is an entry in ClinVar:

NM_006939.4(SOS2):c.296G>A (p.Arg99Gln)

Gene: SOS2 (SOS Ras/Rho guanine nucleotide exchange factor 2; minus strand). Cytogenetic location: 14q21.3.
Variant type: single nucleotide variant.
Coding change: c.296G>A on transcript NM_006939.4 (MANE Select); coding-DNA position 296, G replaced by A.
Protein change: p.Arg99Gln; replaces arginine 99 with glutamine.
Molecular consequence: missense variant.
Genome position (GRCh38, 1-based): chr14:50,201,002, C>T on the plus strand (G>A on the coding strand, the complement: SOS2 is on the minus strand). VCF-style: chr14-50201002-C-T. GRCh37 (hg19) VCF-style: chr14-50667720-C-T.
Other names: short protein forms R99Q.
Identifiers: ClinVar variation 1515968 (VCV001515968.6), dbSNP rs369592322, ClinGen allele CA260722383.

ClinVar aggregate classification (germline): Uncertain significance (1 of 4 stars; one submission).

Conditions:
Noonan syndrome 9 (NS9). Identifiers: Orphanet 648, MedGen C4225282, MONDO:0014691, OMIM 616559.

Allele frequency attached by ClinVar (database versions not stated): TOPMed below 0.00001; ESP Exome Variant Server 0.00008.

Submission:

Labcorp Genetics (formerly Invitae), Labcorp
Classification: Uncertain significance for Noonan syndrome 9. Last evaluated: 2024-05-15. Review status: criteria provided, single submitter. Criteria: Invitae Variant Classification Sherloc (09022015). Collection method: clinical testing. Allele origin: germline.
Comment: This sequence change replaces arginine, which is basic and polar, with glutamine, which is neutral and polar, at codon 99 of the SOS2 protein (p.Arg99Gln). This variant is not present in population databases (gnomAD no frequency). This variant has not been reported in the literature in individuals affected with SOS2-related conditions. ClinVar contains an entry for this variant (Variation ID: 1515968). Advanced modeling of protein sequence and biophysical properties (such as structural, functional, and spatial information, amino acid conservation, physicochemical variation, residue mobility, and thermodynamic stability) performed at Invitae indicates that this missense variant is expected to disrupt SOS2 protein function with a positive predictive value of 80%. In summary, the available evidence is currently insufficient to determine the role of this variant in disease. Therefore, it has been classified as a Variant of Uncertain Significance.